The following is an entry in ClinVar:

NM_001366145.2(TRPM3):c.3842G>A (p.Arg1281His)

Genes: KLF9-DT (KLF9 divergent transcript; plus strand), TRPM3 (transient receptor potential cation channel subfamily M member 3; minus strand). Cytogenetic location: 9q21.12.
Variant type: single nucleotide variant.
Coding change: c.3842G>A on transcript NM_001366145.2 (MANE Select); coding-DNA position 3842, G replaced by A.
Protein change: p.Arg1281His; replaces arginine 1281 with histidine.
Molecular consequence: missense variant.
Genome position (GRCh38, 1-based): chr9:70,537,271, C>T on the plus strand (G>A on the coding strand, the complement: TRPM3 is on the minus strand). VCF-style: chr9-70537271-C-T. GRCh37 (hg19) VCF-style: chr9-73152187-C-T.
Other names: c.3842G>A, p.Arg1281His (NM_001366146.2); c.3917G>A, p.Arg1306His (NM_001366147.2, NM_001366152.2); c.3887G>A, p.Arg1296His (NM_001366148.2); c.3812G>A, p.Arg1271His (NM_001366149.2, NM_001366141.2, NM_001366143.2); c.3776G>A, p.Arg1259His (NM_001366150.2); c.3806G>A, p.Arg1269His (NM_001366151.2, NM_001007471.4); c.3383G>A, p.Arg1128His (NM_001366154.2, NM_024971.7); c.3848G>A, p.Arg1283His (NM_001366142.2); and 5 more; short protein forms R1106H, R1116H, R1118H, R1128H, R1131H, R1141H, R1259H, R1269H.
Identifiers: ClinVar variation 4885112 (VCV004885112.2).

ClinVar aggregate classification (germline): Uncertain significance (1 of 4 stars; one submission).

gnomAD v4.1: 25 of 1,579,448 alleles (0.0016%); highest among the groups gnomAD compares: East Asian, 0.0023%; no homozygotes.

Submission:

Dasa
Classification: Uncertain significance. Last evaluated: 2025-10-28. Review status: criteria provided, single submitter. Criteria: DASA Assertion Criteria. Collection method: clinical testing. Allele origin: germline.
Comment: NM_001366145.2(TRPM3):c.3842G>A (p.Arg1281His) is a missense variant that results in the substitution of arginine with histidine. This variant is rare in population databases. Computational prediction algorithms are consistent with a benign effect. The currently available literature and clinical evidence are not sufficient to establish a definitive association between this variant and the reported condition. Therefore, this variant is classified as a variant of uncertain significance.